The following is an entry in ClinVar:

NM_000264.5(PTCH1):c.769A>T (p.Thr257Ser)

Gene: PTCH1 (patched 1; minus strand). Cytogenetic location: 9q22.32.
Variant type: single nucleotide variant.
Coding change: c.769A>T on transcript NM_000264.5 (MANE Select); coding-DNA position 769, A replaced by T.
Protein change: p.Thr257Ser; replaces threonine 257 with serine.
Molecular consequence: missense variant. On other transcripts: non-coding transcript variant (1).
Genome position (GRCh38, 1-based): chr9:95,480,566, T>A on the plus strand (A>T on the coding strand, the complement: PTCH1 is on the minus strand). VCF-style: chr9-95480566-T-A. GRCh37 (hg19) VCF-style: chr9-98242848-T-A.
Other names: c.571A>T, p.Thr191Ser (NM_001083602.3); c.766A>T, p.Thr256Ser (NM_001083603.3); c.316A>T, p.Thr106Ser (NM_001083604.3, NM_001083605.3, NM_001083606.3 and 1 more transcripts); c.769A>T, p.Thr257Ser (NM_001354918.2); short protein forms T191S, T257S, T106S, T256S.
Identifiers: ClinVar variation 5027552 (VCV005027552.1).

ClinVar aggregate classification (germline): Uncertain significance (1 of 4 stars; one submission).

Conditions:
Hereditary cancer-predisposing syndrome. Also called: Neoplastic Syndromes, Hereditary; Tumor predisposition; Hereditary neoplastic syndrome; Hereditary Cancer Syndrome. Identifiers: Orphanet 140162, MedGen C0027672, MeSH D009386, MONDO:0015356.

Submission:

Ambry Genetics
Classification: Uncertain significance for Hereditary cancer-predisposing syndrome. Last evaluated: 2026-08-21. Review status: criteria provided, single submitter. Criteria: Ambry Variant Classification Scheme 2023. Collection method: clinical testing. Allele origin: germline.
Comment: The p.T257S variant (also known as c.769A>T), located in coding exon 6 of the PTCH1 gene, results from an A to T substitution at nucleotide position 769. The threonine at codon 257 is replaced by serine, an amino acid with similar properties. This amino acid position is conserved. In addition, the in silico prediction for this alteration is inconclusive. Based on the available evidence, the clinical significance of this variant remains unclear.